The following is an entry in ClinVar:

ClinVar aggregate classification (germline): Uncertain significance (1 of 4 stars; one submission).

gnomAD v4.1: 1 of 1,613,802 alleles (0.000062%); highest among the groups gnomAD compares: South Asian, 0.0011%; no homozygotes.

Submission:

CeGaT Center for Human Genetics Tuebingen
Classification: Uncertain significance. Last evaluated: 2026-08-01. Review status: criteria provided, single submitter. Criteria: CeGaT Center For Human Genetics Tuebingen Variant Classification Criteria Version 2. Collection method: clinical testing. Allele origin: germline. Affected: yes. Observed: 1 variant allele.
Comment: TTN: PM2, BP4

NM_001267550.2(TTN):c.17054C>G (p.Thr5685Ser)

Genes: TTN (titin; minus strand), LOC126806431 (CDK7 strongly-dependent group 2 enhancer GRCh37_chr2:179595719-179596918; plus strand). Cytogenetic location: 2q31.2.
Variant type: single nucleotide variant.
Coding change: c.17054C>G on transcript NM_001267550.2 (MANE Select); coding-DNA position 17054, C replaced by G.
Protein change: p.Thr5685Ser; replaces threonine 5685 with serine.
Molecular consequence: missense variant. On other transcripts: intron variant (3).
Genome position (GRCh38, 1-based): chr2:178,731,821, G>C on the plus strand (C>G on the coding strand, the complement: TTN is on the minus strand). VCF-style: chr2-178731821-G-C. GRCh37 (hg19) VCF-style: chr2-179596548-G-C.
Other names: c.13858+6261C>G (NM_133437.4); c.13657+6261C>G (NM_133432.3); c.16103C>G, p.Thr5368Ser (NM_001256850.1); c.13322C>G, p.Thr4441Ser (NM_133378.4); c.13282+6261C>G (NM_003319.4); short protein forms T4441S, T5368S, T5685S.
Identifiers: ClinVar variation 5040478 (VCV005040478.1).